The following is an entry in ClinVar:

NM_000492.4(CFTR):c.2681A>C (p.Asn894Thr)

Gene: CFTR (CF transmembrane conductance regulator; plus strand). Cytogenetic location: 7q31.2.
Variant type: single nucleotide variant.
Coding change: c.2681A>C on transcript NM_000492.4 (MANE Select); coding-DNA position 2681, A replaced by C.
Protein change: p.Asn894Thr; replaces asparagine 894 with threonine.
Molecular consequence: missense variant.
Genome position (GRCh38, 1-based): chr7:117,603,555, A>C. VCF-style: chr7-117603555-A-C. GRCh37 (hg19) VCF-style: chr7-117243609-A-C.
Other names: short protein forms N894T.
Identifiers: ClinVar variation 1794684 (VCV001794684.3), dbSNP rs1278852401, ClinGen allele CA368986419.

ClinVar aggregate classification (germline): Uncertain significance. Review status: criteria provided, multiple submitters, no conflicts (2 of 4 stars). 2 submissions from 2 submitters: Uncertain significance (2). Last evaluated 2025-05-01.

Conditions:
Cystic fibrosis (CF). Also called: MUCOVISCIDOSIS. Identifiers: Orphanet 586, MedGen C0010674, MONDO:0009061, OMIM 219700. Disease mechanism: loss of function.

Submissions (2):

Women's Health and Genetics/Laboratory Corporation of America, LabCorp
Classification: Uncertain significance. Last evaluated: 2025-05-01. Review status: criteria provided, single submitter. Criteria: LabCorp Variant Classification Summary - May 2015. Collection method: clinical testing. Allele origin: germline.

Ambry Genetics
Classification: Uncertain significance for Cystic fibrosis. Last evaluated: 2021-09-20. Review status: criteria provided, single submitter. Criteria: Ambry Variant Classification Scheme 2023. Collection method: clinical testing. Allele origin: germline.
Comment: The p.N894T variant (also known as c.2681A>C), located in coding exon 17 of the CFTR gene, results from an A to C substitution at nucleotide position 2681. The asparagine at codon 894 is replaced by threonine, an amino acid with similar properties. This amino acid position is conserved. In addition, the in silico prediction for this alteration is inconclusive. Since supporting evidence is limited at this time, the clinical significance of this alteration remains unclear.